The following is an entry in ClinVar:

ClinVar aggregate classification (germline): Uncertain significance (1 of 4 stars; one submission).

Allele frequency attached by ClinVar (database versions not stated): gnomAD exomes below 0.00001.
gnomAD v4.1: 1 of 1,613,134 alleles (0.000062%); highest among the groups gnomAD compares: Non-Finnish European, 0.000085%; no homozygotes.

Submission:

GeneDx
Classification: Uncertain significance. Last evaluated: 2016-04-11. Review status: criteria provided, single submitter. Criteria: GeneDx Variant Classification (06012015). Collection method: clinical testing. Allele origin: germline. Affected: yes.
Comment: A variant of uncertain significance has been identified in the CHD2 gene. The N808S variant has not been published as a pathogenic variant, nor has it been reported as a benign variant to our knowledge. It was not observed in approximately 6,500 individuals of European and African American ancestry in the NHLBI Exome Sequencing Project, indicating it is not a common benign variant in these populations. The N808S variant is a conservative amino acid substitution, which is not likely to impact secondary protein structure as these residues share similar properties. However, this substitution occurs at a position that is conserved across species. In silico analysis is inconsistent in its predictions as to whether or not the variant is damaging to the protein structure/function. Therefore, based on the currently available information, it is unclear whether this variant is a pathogenic variant or a rare benign variant.

NM_001271.4(CHD2):c.2423A>G (p.Asn808Ser)

Gene: CHD2 (chromodomain helicase DNA binding protein 2; plus strand). Cytogenetic location: 15q26.1.
Variant type: single nucleotide variant.
Coding change: c.2423A>G on transcript NM_001271.4 (MANE Select); coding-DNA position 2423, A replaced by G.
Protein change: p.Asn808Ser; replaces asparagine 808 with serine.
Molecular consequence: missense variant.
Genome position (GRCh38, 1-based): chr15:92,972,335, A>G. VCF-style: chr15-92972335-A-G. GRCh37 (hg19) VCF-style: chr15-93515565-A-G.
Other names: short protein forms N808S.
Identifiers: ClinVar variation 420834 (VCV000420834.2), dbSNP rs1064794729, ClinGen allele CA16620045.